The following is an entry in ClinVar:

ClinVar aggregate classification (germline): Benign. Review status: criteria provided, multiple submitters, no conflicts (2 of 4 stars). 5 submissions from 5 submitters: Benign (3). 2 of the submissions do not count toward it. Last evaluated 2026-02-03.

Allele frequency attached by ClinVar (database versions not stated): 1000 Genomes Project 30x 0.14507; 1000 Genomes Project 0.14956; gnomAD 0.08198 and 0.08472; gnomAD exomes 0.05709 and 0.07836; ExAC 0.08189; TOPMed 0.09269; ESP Exome Variant Server 0.07981.
gnomAD v4.1: 96,666 of 1,614,026 alleles (6%); highest among the groups gnomAD compares: East Asian, 32%; 5,430 homozygotes.

Submissions (5):

Labcorp Genetics (formerly Invitae), Labcorp
Classification: Benign. Last evaluated: 2026-02-03. Review status: criteria provided, single submitter. Criteria: Invitae Variant Classification Sherloc (09022015). Collection method: clinical testing. Allele origin: germline.

GeneDx
Classification: Benign. Last evaluated: 2013-11-12. Review status: criteria provided, single submitter. Criteria: GeneDx Variant Classification (06012015). Collection method: clinical testing. Allele origin: germline. Affected: yes.
Comment: This variant is considered likely benign or benign based on one or more of the following criteria: it is a conservative change, it occurs at a poorly conserved position in the protein, it is predicted to be benign by multiple in silico algorithms, and/or has population frequency not consistent with disease.

Breakthrough Genomics
Classification: Benign. Review status: criteria provided, single submitter. Criteria: ACMG Guidelines, 2015. Collection method: not provided. Allele origin: germline. Inheritance: Autosomal recessive inheritance. Affected: yes.

Mayo Clinic Laboratories, Mayo Clinic
Classification: Benign. Last evaluated: 2016-03-08. Review status: no assertion criteria provided. Collection method: clinical testing. Allele origin: unknown. Not counted in ClinVar's aggregate classification.

Genetic Services Laboratory, University of Chicago
Classification: Likely benign for AllHighlyPenetrant. Review status: no assertion criteria provided. Collection method: clinical testing. Allele origin: germline. Inheritance: Autosomal recessive inheritance. Not counted in ClinVar's aggregate classification.
Comment: Likely benign based on allele frequency in 1000 Genomes Project or ESP global frequency and its presence in a patient with a rare or unrelated disease phenotype. NOT Sanger confirmed.

NM_182476.3(COQ6):c.1016A>T (p.Asp339Val)

Genes: COQ6 (coenzyme Q6, monooxygenase; plus strand), ENTPD5 (ectonucleoside triphosphate diphosphohydrolase 5; minus strand). Cytogenetic location: 14q24.3.
Variant type: single nucleotide variant.
Coding change: c.1016A>T on transcript NM_182476.3 (MANE Select); coding-DNA position 1016, A replaced by T.
Protein change: p.Asp339Val; replaces aspartic acid 339 with valine.
Molecular consequence: missense variant. On other transcripts: 3 prime UTR variant (1), intron variant (5).
Genome position (GRCh38, 1-based): chr14:73,961,297, A>T. VCF-style: chr14-73961297-A-T. GRCh37 (hg19) VCF-style: chr14-74428000-A-T.
Other names: p.D339V:GAT>GTT; c.1016A>T, p.Asp339Val (NM_001425255.1); c.908A>T, p.Asp303Val (NM_001425256.1); c.851A>T, p.Asp284Val (NM_001425257.1); c.833A>T, p.Asp278Val (NM_001425258.1); c.791A>T, p.Asp264Val (NM_001425259.1, NM_001425260.1, NM_001425261.1); c.761A>T, p.Asp254Val (NM_001425262.1); c.689A>T, p.Asp230Val (NM_001425263.1); and 6 more; short protein forms D314V, D339V.
Identifiers: ClinVar variation 128833 (VCV000128833.19), dbSNP rs2074930, ClinGen allele CA288768.